The following is an entry in ClinVar:

NM_021224.6(ZNF462):c.6810T>C (p.Ile2270=)

Gene: ZNF462 (zinc finger protein 462; plus strand). Cytogenetic location: 9q31.2.
Variant type: single nucleotide variant.
Coding change: c.6810T>C on transcript NM_021224.6 (MANE Select); coding-DNA position 6810, T replaced by C.
Protein change: p.Ile2270=; no amino-acid change (isoleucine 2270 retained).
Molecular consequence: synonymous variant.
Genome position (GRCh38, 1-based): chr9:106,974,251, T>C. VCF-style: chr9-106974251-T-C. GRCh37 (hg19) VCF-style: chr9-109736532-T-C.
Other names: c.4215T>C, p.Ile1405= (NM_001347997.2).
Identifiers: ClinVar variation 3355723 (VCV003355723.1).

ClinVar aggregate classification (germline): Likely benign (0 of 4 stars; one submission).

Conditions:
ZNF462-related disorder. Also called: ZNF462-related condition; ZNF462 related disease.

Submission:

PreventionGenetics, part of Exact Sciences
Classification: Likely benign for ZNF462-related condition. Last evaluated: 2024-04-04. Review status: no assertion criteria provided. Collection method: clinical testing. Allele origin: germline.
Comment: This variant is classified as likely benign based on ACMG/AMP sequence variant interpretation guidelines (Richards et al. 2015 PMID: 25741868, with internal and published modifications).